The following is an entry in ClinVar:

NM_016222.4(DDX41):c.1237G>A (p.Glu413Lys)

Gene: DDX41 (DEAD-box helicase 41; minus strand). Cytogenetic location: 5q35.3.
Variant type: single nucleotide variant.
Coding change: c.1237G>A on transcript NM_016222.4 (MANE Select); coding-DNA position 1237, G replaced by A.
Protein change: p.Glu413Lys; replaces glutamic acid 413 with lysine.
Molecular consequence: missense variant.
Genome position (GRCh38, 1-based): chr5:177,513,076, C>T on the plus strand (G>A on the coding strand, the complement: DDX41 is on the minus strand). VCF-style: chr5-177513076-C-T. GRCh37 (hg19) VCF-style: chr5-176940077-C-T.
Other names: c.859G>A, p.Glu287Lys (NM_001321732.2, NM_001321830.2); short protein forms E287K, E413K.
Identifiers: ClinVar variation 2499797 (VCV002499797.1), dbSNP rs2532077737, ClinGen allele CA362373639.
Genomic context (GRCh38, chr5:177,513,076, plus strand): 5'-GGGGTGTCTTCTGCAGGCACTCGAGCAGGTACACCATCTTGGCCTCCTCCTTCACATATT[C>T]TACCTCCTGCCACCACAAAGATCAGGTCAGGTGATCTTGAGATTAGGCTTACCCGCCACA-3'
Protein context (NP_057306.2, residues 403-423): AASLDVIQEV[Glu413Lys]YVKEEAKMVY

ClinVar aggregate classification (germline): Uncertain significance (1 of 4 stars; one submission).

Submission:

GeneDx
Classification: Uncertain significance. Last evaluated: 2022-10-24. Review status: criteria provided, single submitter. Criteria: GeneDx Variant Classification Process June 2021. Collection method: clinical testing. Allele origin: germline. Affected: yes.
Comment: Not observed at significant frequency in large population cohorts (gnomAD); In silico analysis supports that this missense variant has a deleterious effect on protein structure/function; Has not been previously published as pathogenic or benign to our knowledge; This variant is associated with the following publications: (PMID: 27721487)